The following is an entry in ClinVar:

NM_024753.5(TTC21B):c.2368T>C (p.Tyr790His)

Gene: TTC21B (tetratricopeptide repeat domain 21B; minus strand). Cytogenetic location: 2q24.3.
Variant type: single nucleotide variant.
Coding change: c.2368T>C on transcript NM_024753.5 (MANE Select); coding-DNA position 2368, T replaced by C.
Protein change: p.Tyr790His; replaces tyrosine 790 with histidine.
Molecular consequence: missense variant.
Genome position (GRCh38, 1-based): chr2:165,911,420, A>G on the plus strand (T>C on the coding strand, the complement: TTC21B is on the minus strand). VCF-style: chr2-165911420-A-G. GRCh37 (hg19) VCF-style: chr2-166767930-A-G.
Other names: c.2368T>C (NM_024753.4); short protein forms Y790H.
Identifiers: ClinVar variation 1423427 (VCV001423427.8), dbSNP rs910370044, ClinGen allele CA59795753.
Genomic context (GRCh38, chr2:165,911,420, plus strand): 5'-TTTCTGCTTTGTCATACCATTTCAATTTTAATAAGAGCTCAGCCAGGTCATAGCAAAGAT[A>G]ATTCTTTTGTCCAGTTTTCAGAGCAGCTTCATAGTAAGTGATTGCCTAAACAAAATTCAT-3'
Protein context (NP_079029.3, residues 780-800): EAALKTGQKN[Tyr790His]LCYDLAELLL

ClinVar aggregate classification (germline): Uncertain significance. Review status: criteria provided, multiple submitters, no conflicts (2 of 4 stars). 2 submissions from 2 submitters: Uncertain significance (2). Last evaluated 2025-03-26.

Conditions:
TTC21B-related disorder. Also called: TTC21B-related disorders; TTC21B-related condition.
Nephronophthisis. Also called: Juvenile Nephronophthisis. Identifiers: Orphanet 655, MedGen C0687120, MONDO:0019005, HP:0000090.
Jeune thoracic dystrophy. Also called: Jeune syndrome; Infantile thoracic dystrophy; Thoracic pelvic phalangeal dystrophy; Jeune's syndrome; Chondroectodermal dysplasia-like syndrome; Short-rib thoracic dysplasia. Identifiers: Orphanet 474, MedGen C0265275, MONDO:0018770.

Submissions (2):

PreventionGenetics, part of Exact Sciences
Classification: Uncertain significance for TTC21B-related condition. Last evaluated: 2025-03-26. Review status: criteria provided, single submitter. Criteria: ACMG Guidelines, 2015. Collection method: clinical testing. Allele origin: germline.
Comment: The TTC21B c.2368T>C variant is predicted to result in the amino acid substitution p.Tyr790His. To our knowledge, this variant has not been reported in the literature or in a large population database (gnomAD), indicating this variant is rare. At this time, the clinical significance of this variant is uncertain due to the absence of conclusive functional and genetic evidence.

Labcorp Genetics (formerly Invitae), Labcorp
Classification: Uncertain significance for Jeune thoracic dystrophy; Nephronophthisis. Last evaluated: 2025-03-17. Review status: criteria provided, single submitter. Criteria: Invitae Variant Classification Sherloc (09022015). Collection method: clinical testing. Allele origin: germline.
Comment: This sequence change replaces tyrosine, which is neutral and polar, with histidine, which is basic and polar, at codon 790 of the TTC21B protein (p.Tyr790His). This variant is not present in population databases (gnomAD no frequency). This variant has not been reported in the literature in individuals affected with TTC21B-related conditions. ClinVar contains an entry for this variant (Variation ID: 1423427). Invitae Evidence Modeling of protein sequence and biophysical properties (such as structural, functional, and spatial information, amino acid conservation, physicochemical variation, residue mobility, and thermodynamic stability) indicates that this missense variant is not expected to disrupt TTC21B protein function with a negative predictive value of 95%. In summary, the available evidence is currently insufficient to determine the role of this variant in disease. Therefore, it has been classified as a Variant of Uncertain Significance.